The following is an entry in ClinVar:

ClinVar aggregate classification (germline): Likely pathogenic. Review status: criteria provided, single submitter (1 of 4 stars). 2 submissions from 2 submitters: Likely pathogenic (1). 1 of the submissions does not count toward it. Last evaluated 2021-11-26.

Conditions:
Polycystic kidney disease 4 (PKD4). Also called: POLYCYSTIC KIDNEY DISEASE 4 WITH OR WITHOUT POLYCYSTIC LIVER DISEASE; POLYCYSTIC KIDNEY AND HEPATIC DISEASE 1; POLYCYSTIC KIDNEY DISEASE, INFANTILE, TYPE I; PKD3; Autosomal Recessive Polycystic Kidney Disease – PKHD1. Identifiers: MedGen C4540575, MONDO:0033004, OMIM 263200.
Autosomal recessive polycystic kidney disease (ARPKD). Also called: AR polycystic kidney disease. Identifiers: Orphanet 731, Orphanet 8378, MedGen C0085548, MeSH D017044, MONDO:0009889.

Submissions (2):

Labcorp Genetics (formerly Invitae), Labcorp
Classification: Likely pathogenic for Autosomal recessive polycystic kidney disease. Last evaluated: 2021-11-26. Review status: criteria provided, single submitter. Criteria: Invitae Variant Classification Sherloc (09022015). Collection method: clinical testing. Allele origin: germline.
Comment: Algorithms developed to predict the effect of sequence changes on RNA splicing suggest that this variant may disrupt the consensus splice site. In summary, the currently available evidence indicates that the variant is pathogenic, but additional data are needed to prove that conclusively. Therefore, this variant has been classified as Likely Pathogenic. ClinVar contains an entry for this variant (Variation ID: 556719). This variant has not been reported in the literature in individuals affected with PKHD1-related conditions. This variant is not present in population databases (gnomAD no frequency). This sequence change affects a donor splice site in intron 47 of the PKHD1 gene. It is expected to disrupt RNA splicing. Variants that disrupt the donor or acceptor splice site typically lead to a loss of protein function (PMID: 16199547), and loss-of-function variants in PKHD1 are known to be pathogenic (PMID: 19940839).

Counsyl
Classification: Likely pathogenic for Polycystic kidney disease 4. Last evaluated: 2018-02-15. Review status: no assertion criteria provided. Collection method: clinical testing. Allele origin: unknown. Not counted in ClinVar's aggregate classification.

Literature cited by the submitters: PubMed 16199547 (cited by Labcorp Genetics (formerly Invitae), Labcorp); PubMed 19940839 (cited by Labcorp Genetics (formerly Invitae), Labcorp).

NM_138694.4(PKHD1):c.7486+1G>T

Gene: PKHD1 (PKHD1 ciliary IPT domain containing fibrocystin/polyductin; minus strand). Cytogenetic location: 6p12.2.
Variant type: single nucleotide variant.
Coding change: c.7486+1G>T on transcript NM_138694.4 (MANE Select); the canonical splice donor site of the intron after coding-DNA position 7486, G replaced by T.
Molecular consequence: splice donor variant.
Genome position (GRCh38, 1-based): chr6:51,870,503, C>A on the plus strand (G>T on the coding strand, the complement: PKHD1 is on the minus strand). VCF-style: chr6-51870503-C-A. GRCh37 (hg19) VCF-style: chr6-51735301-C-A.
Other names: c.7486+1G>T (NM_170724.3).
Identifiers: ClinVar variation 556719 (VCV000556719.8), dbSNP rs1554282419, ClinGen allele CA364419285.